The following is an entry in ClinVar:

NC_000009.12:g.113275630TGTCAGTGACGCACTTCC[1]

Gene: PRPF4 (pre-mRNA splicing tri-snRNP complex factor PRPF4; plus strand). Cytogenetic location: 9q32.
Variant type: Microsatellite.
Genome position: GRCh38 VCF-style: chr9-113275629-TTGTCAGTGACGCACTTCC-T. GRCh37 (hg19) VCF-style: chr9-116037909-TTGTCAGTGACGCACTTCC-T.
Identifiers: ClinVar variation 143058 (VCV000143058.11), dbSNP rs541873609, ClinGen allele CA170080.

ClinVar aggregate classification (germline): Uncertain significance. Review status: criteria provided, multiple submitters, no conflicts (2 of 4 stars). 4 submissions from 4 submitters: Uncertain significance (3). 1 of the submissions does not count toward it. Last evaluated 2025-12-14.

Conditions:
Retinitis pigmentosa 70 (RP70). Identifiers: Orphanet 791, MedGen C4014681, MONDO:0014400, OMIM 615922.

Submissions (4):

Labcorp Genetics (formerly Invitae), Labcorp
Classification: Uncertain significance. Last evaluated: 2025-12-14. Review status: criteria provided, single submitter. Criteria: Invitae Variant Classification Sherloc (09022015). Collection method: clinical testing. Allele origin: germline.
Comment: This variant occurs in a non-coding region of the PRPF4 gene. It does not change the encoded amino acid sequence of the PRPF4 protein. This variant is present in population databases (rs541873609, gnomAD 0.1%). This variant has been observed in individual(s) with autosomal dominant retinitis pigmentosa (PMID: 24419317). This variant is also known as c.-114_-97del. Studies have shown that this variant alters PRPF4 gene expression (PMID: 24419317). In summary, the available evidence is currently insufficient to determine the role of this variant in disease. Therefore, it has been classified as a Variant of Uncertain Significance.

Blueprint Genetics
Classification: Uncertain significance. Last evaluated: 2024-11-01. Review status: criteria provided, single submitter. Criteria: ACMG Guidelines, 2015. Collection method: clinical testing. Allele origin: germline.

Mendelics
Classification: Uncertain significance. Last evaluated: 2022-05-04. Review status: criteria provided, single submitter. Criteria: Mendelics Assertion Criteria 2019. Collection method: clinical testing. Allele origin: germline.

OMIM
Classification: Pathogenic for RETINITIS PIGMENTOSA 70. Last evaluated: 2014-06-01. Review status: no assertion criteria provided. Collection method: literature only. Allele origin: germline. Not counted in ClinVar's aggregate classification.

Literature cited by the submitters: PubMed 24419317 (cited by Labcorp Genetics (formerly Invitae), Labcorp and OMIM).